The following is an entry in ClinVar:

NM_000350.3(ABCA4):c.2261T>C (p.Phe754Ser)

Gene: ABCA4 (ATP binding cassette subfamily A member 4; minus strand). Cytogenetic location: 1p22.1.
Variant type: single nucleotide variant.
Coding change: c.2261T>C on transcript NM_000350.3 (MANE Select); coding-DNA position 2261, T replaced by C.
Protein change: p.Phe754Ser; replaces phenylalanine 754 with serine.
Molecular consequence: missense variant.
Genome position (GRCh38, 1-based): chr1:94,056,722, A>G on the plus strand (T>C on the coding strand, the complement: ABCA4 is on the minus strand). VCF-style: chr1-94056722-A-G. GRCh37 (hg19) VCF-style: chr1-94522278-A-G.
Other names: short protein forms F754S.
Identifiers: ClinVar variation 2664260 (VCV002664260.7), dbSNP rs2523822075, ClinGen allele CA341277903.

ClinVar aggregate classification (germline): Pathogenic/Likely pathogenic. Review status: criteria provided, multiple submitters, no conflicts (2 of 4 stars). 4 submissions from 4 submitters: Pathogenic (2); Likely pathogenic (1). 1 of the submissions does not count toward it. Last evaluated 2025-09-04.

Conditions:
ABCA4-related disorder. Also called: ABCA4-related condition; ABCA4-related disorders. Identifiers: MedGen CN239167.
Retinitis pigmentosa 19 (RP19). Also called: ABCA4-Related Retinitis Pigmentosa. Identifiers: Orphanet 791, MedGen C1866422, MONDO:0011137, OMIM 601718.
Retinitis pigmentosa (RP). Identifiers: Orphanet 791, MedGen C0035334, MeSH D012174, MONDO:0019200, OMIM 268000. Inheritance: Autosomal dominant, autosomal recessive and X linked inheritance.

Submissions (4):

Women's Health and Genetics/Laboratory Corporation of America, LabCorp
Classification: Likely pathogenic for Retinitis pigmentosa. Last evaluated: 2025-09-04. Review status: criteria provided, single submitter. Criteria: LabCorp Variant Classification Summary - May 2015. Collection method: clinical testing. Allele origin: germline.
Comment: Variant summary: ABCA4 c.2261T>C (p.Phe754Ser) results in a non-conservative amino acid change in the encoded protein sequence. Algorithms developed to predict the effect of missense changes on protein structure and function all suggest that this variant is likely to be disruptive. The variant was absent in 250726 control chromosomes. c.2261T>C has been observed in individuals affected with Stargardt disease and code rod dystrophy (Jiang_2016, Liu_2020, Hu_2019, Li_2023). To our knowledge, no experimental evidence demonstrating an impact on protein function has been reported. ClinVar contains an entry for this variant (Variation ID: 2664260). Based on the evidence outlined above, the variant was classified as likely pathogenic.

Labcorp Genetics (formerly Invitae), Labcorp
Classification: Pathogenic. Last evaluated: 2023-05-13. Review status: criteria provided, single submitter. Criteria: Invitae Variant Classification Sherloc (09022015). Collection method: clinical testing. Allele origin: germline.
Comment: For these reasons, this variant has been classified as Pathogenic. This missense change has been observed in individual(s) with Stargardt disease (PMID: 26780318, 32845068). In at least one individual the data is consistent with being in trans (on the opposite chromosome) from a pathogenic variant. Advanced modeling of protein sequence and biophysical properties (such as structural, functional, and spatial information, amino acid conservation, physicochemical variation, residue mobility, and thermodynamic stability) performed at Invitae indicates that this missense variant is expected to disrupt ABCA4 protein function. This sequence change replaces phenylalanine, which is neutral and non-polar, with serine, which is neutral and polar, at codon 754 of the ABCA4 protein (p.Phe754Ser). This variant is not present in population databases (gnomAD no frequency).

Blueprint Genetics
Classification: Pathogenic for ABCA4-related disorders. Last evaluated: 2019-09-09. Review status: criteria provided, single submitter. Criteria: ACMG Guidelines, 2015. Collection method: clinical testing. Allele origin: germline. Affected: yes. Observed: 1 variant allele.

Wuhan Primbio Medical Laboratory
Classification: Likely pathogenic for Retinitis pigmentosa 19. Last evaluated: 2023-11-10. Review status: no assertion criteria provided. Collection method: clinical testing. Allele origin: maternal. Affected: yes. Observed: 1 variant allele. Not counted in ClinVar's aggregate classification.
Comment: This sequence change replaces phenylalanine, which is neutral and non-polar, with serine, which is neutral and polar, at codon 754 of the ABCA4 protein (p.Phe754Ser). This variant is not present in population databases (gnomAD no frequency). This missense change has been observed in individuals with clinical features of Retinitis pigmentosa (Invitae). Advanced modeling of protein sequence and biophysical properties (such as structural, functional, and spatial information, amino acid conservation, physicochemical variation, residue mobility, and thermodynamic stability) performed at Invitae indicates that this missense variant is expected to disrupt ABCA4 protein function. This variant has been reported in the literature in individuals with ABCA4-related conditions (PMID: 26780318;PMID: 31543898) In summary, the currently available evidence indicates that the variant is pathogenic, but additional data are needed to prove that conclusively. Therefore, this variant has been classified as Likely Pathogenic.

Literature cited by the submitters: PubMed 31543898 (cited by Women's Health and Genetics/Laboratory Corporation of America, LabCorp); PubMed 26780318 (cited by Women's Health and Genetics/Laboratory Corporation of America, LabCorp and Labcorp Genetics (formerly Invitae), Labcorp); PubMed 32845068 (cited by Women's Health and Genetics/Laboratory Corporation of America, LabCorp and Labcorp Genetics (formerly Invitae), Labcorp); PubMed 36729443 (cited by Women's Health and Genetics/Laboratory Corporation of America, LabCorp).